The following is an entry in ClinVar:

NM_001040436.3(YARS2):c.948G>A (p.Arg316=)

Gene: YARS2 (tyrosyl-tRNA synthetase 2; minus strand). Cytogenetic location: 12p11.21.
Variant type: single nucleotide variant.
Coding change: c.948G>A on transcript NM_001040436.3 (MANE Select); coding-DNA position 948, G replaced by A.
Protein change: p.Arg316=; no amino-acid change (arginine 316 retained).
Molecular consequence: synonymous variant.
Genome position (GRCh38, 1-based): chr12:32,750,874, C>T on the plus strand (G>A on the coding strand, the complement: YARS2 is on the minus strand). VCF-style: chr12-32750874-C-T. GRCh37 (hg19) VCF-style: chr12-32903808-C-T.
Identifiers: ClinVar variation 215422 (VCV000215422.6), dbSNP rs146592186, ClinGen allele CA322204.

ClinVar aggregate classification (germline): Uncertain significance. Review status: criteria provided, multiple submitters, no conflicts (2 of 4 stars). 2 submissions from 2 submitters: Uncertain significance (2). Last evaluated 2024-10-30.

Allele frequency attached by ClinVar (database versions not stated): TOPMed 0.00006; ESP Exome Variant Server 0.00015.

Submissions (2):

Labcorp Genetics (formerly Invitae), Labcorp
Classification: Uncertain significance. Last evaluated: 2024-10-30. Review status: criteria provided, single submitter. Criteria: Invitae Variant Classification Sherloc (09022015). Collection method: clinical testing. Allele origin: germline.
Comment: This sequence change affects codon 316 of the YARS2 mRNA. It is a 'silent' change, meaning that it does not change the encoded amino acid sequence of the YARS2 protein. It affects a nucleotide within the consensus splice site. This variant is present in population databases (rs146592186, gnomAD 0.009%). This variant has not been reported in the literature in individuals affected with YARS2-related conditions. ClinVar contains an entry for this variant (Variation ID: 215422). Algorithms developed to predict the effect of sequence changes on RNA splicing suggest that this variant may create or strengthen a splice site. In summary, the available evidence is currently insufficient to determine the role of this variant in disease. Therefore, it has been classified as a Variant of Uncertain Significance.

GeneDx
Classification: Uncertain significance. Last evaluated: 2012-09-26. Review status: criteria provided, single submitter. Criteria: GeneDx Variant Classification (06012015). Collection method: clinical testing. Allele origin: germline. Affected: yes.
Comment: p.Arg316Arg (AGG>AGA):c.948 G>A in exon 3 of the YARS2 gene (NM_001040436.2) The c.948 G>A nucleotide substitution has not been published as a mutation, nor has it been reported as a benign polymorphism to our knowledge. In silico algorithms predict it may damage or even destroy the splice site at the exon 3/intron 3 boundary, possibly leading to abnormal gene splicing. However, in the absence of RNA/functional studies, the actual effect of the c.948 G>A substitution is unknown. The variant is found in MITONUC-MITOP panel(s).